The following is an entry in ClinVar:

NM_021830.5(TWNK):c.56G>A (p.Gly19Glu)

Gene: TWNK (twinkle mtDNA helicase; plus strand). Cytogenetic location: 10q24.31.
Variant type: single nucleotide variant.
Coding change: c.56G>A on transcript NM_021830.5 (MANE Select); coding-DNA position 56, G replaced by A.
Protein change: p.Gly19Glu; replaces glycine 19 with glutamic acid.
Molecular consequence: missense variant. On other transcripts: non-coding transcript variant (4), intron variant (3).
Genome position (GRCh38, 1-based): chr10:100,988,266, G>A. VCF-style: chr10-100988266-G-A. GRCh37 (hg19) VCF-style: chr10-102748023-G-A.
Other names: c.56G>A, p.Gly19Glu (NM_001163812.2); c.-120+653G>A (NM_001163814.2, NM_001163813.2); c.-58+653G>A (NM_001368275.1); short protein forms G19E.
Identifiers: ClinVar variation 426493 (VCV000426493.8), dbSNP rs767175342, ClinGen allele CA5653011.

ClinVar aggregate classification (germline): Conflicting classifications of pathogenicity. Review status: criteria provided, conflicting classifications (1 of 4 stars). 7 submissions from 4 submitters: Uncertain significance (5); Likely benign (2). Last evaluated 2025-10-09.

Conditions:
Autosomal recessive cerebellar ataxia. Also called: Spinocerebellar Ataxia, Recessive; Spinocerebellar ataxia, autosomal recessive. Identifiers: Orphanet 1172, MedGen C5575375, MONDO:0015244.
Infantile onset spinocerebellar ataxia (MTDPS7). Also called: Mitochondrial DNA depletion syndrome 7 (hepatocerebral type); OPHTHALMOPLEGIA, HYPOTONIA, ATAXIA, HYPOACUSIS, AND ATHETOSIS; OHAHA SYNDROME; SPINOCEREBELLAR ATAXIA, INFANTILE, WITH SENSORY NEUROPATHY. Identifiers: Orphanet 1186, MedGen C1849096, MONDO:0010060, OMIM 271245.
Sensory ataxic neuropathy, dysarthria, and ophthalmoparesis (SANDO). Also called: Epilepsy, progressive myoclonic, type 5; Sensory ataxic neuropathy-dysarthria-ophthalmoparesis syndrome; SENSORY ATAXIC NEUROPATHY WITH MITOCHONDRIAL DNA DELETIONS, AUTOSOMAL RECESSIVE; Ataxia Neuropathy Spectrum (ANS). Identifiers: Orphanet 70595, MedGen C1843851, MONDO:0011835, OMIM 607459.
Progressive external ophthalmoplegia with mitochondrial DNA deletions, autosomal dominant 3. Also called: PROGRESSIVE EXTERNAL OPHTHALMOPLEGIA, AUTOSOMAL DOMINANT 3. Identifiers: MedGen C1836439, MONDO:0012241, OMIM 609286.

Allele frequency attached by ClinVar (database versions not stated): gnomAD exomes 0.00001 and 0.00003; ExAC 0.00002; TOPMed 0.00002; gnomAD 0.00003 and 0.00004.
gnomAD v4.1: 42 of 1,613,916 alleles (0.0026%); highest among the groups gnomAD compares: Non-Finnish European, 0.0035%; no homozygotes.

Submissions (7):

Labcorp Genetics (formerly Invitae), Labcorp
Classification: Uncertain significance. Last evaluated: 2025-10-09. Review status: criteria provided, single submitter. Criteria: Invitae Variant Classification Sherloc (09022015). Collection method: clinical testing. Allele origin: germline.
Comment: This sequence change replaces glycine, which is neutral and non-polar, with glutamic acid, which is acidic and polar, at codon 19 of the TWNK protein (p.Gly19Glu). This variant is present in population databases (rs767175342, gnomAD 0.005%). This variant has not been reported in the literature in individuals affected with TWNK-related conditions. ClinVar contains an entry for this variant (Variation ID: 426493). Invitae Evidence Modeling of protein sequence and biophysical properties (such as structural, functional, and spatial information, amino acid conservation, physicochemical variation, residue mobility, and thermodynamic stability) indicates that this missense variant is not expected to disrupt TWNK protein function with a negative predictive value of 95%. In summary, the available evidence is currently insufficient to determine the role of this variant in disease. Therefore, it has been classified as a Variant of Uncertain Significance.

Athena Diagnostics
Classification: Uncertain significance. Last evaluated: 2022-11-01. Review status: criteria provided, single submitter. Criteria: Athena Diagnostics Criteria. Collection method: clinical testing. Allele origin: unknown.
Comment: Available data are insufficient to determine the clinical significance of the variant at this time. The frequency of this variant in the general population is uninformative in assessment of its pathogenicity. Computational tools predict that this variant is not damaging.

Illumina Laboratory Services, Illumina
Classification: Likely benign for Sensory ataxic neuropathy-dysarthria-ophthalmoparesis syndrome. Last evaluated: 2018-01-12. Review status: criteria provided, single submitter. Criteria: ICSL Variant Classification Criteria 13 December 2019. Collection method: clinical testing. Allele origin: germline.
Comment: This variant was observed in the ICSL laboratory as part of a predisposition screen in an ostensibly healthy population. It had not been previously curated by ICSL or reported in the Human Gene Mutation Database (HGMD: prior to June 1st, 2018), and was therefore a candidate for classification through an automated scoring system. Utilizing variant allele frequency, disease prevalence and penetrance estimates, and inheritance mode, an automated score was calculated to assess if this variant is too frequent to cause the disease. Based on the score and internal cut-off values, a variant classified as likely benign is not then subjected to further curation. The score for this variant resulted in a classification of likely benign for this disease.

Illumina Laboratory Services, Illumina
Classification: Uncertain significance for Infantile onset spinocerebellar ataxia. Last evaluated: 2018-01-12. Review status: criteria provided, single submitter. Criteria: ICSL Variant Classification Criteria 13 December 2019. Collection method: clinical testing. Allele origin: germline.

Illumina Laboratory Services, Illumina
Classification: Uncertain significance for Autosomal recessive cerebellar ataxia. Last evaluated: 2018-01-12. Review status: criteria provided, single submitter. Criteria: ICSL Variant Classification Criteria 13 December 2019. Collection method: clinical testing. Allele origin: germline.

Illumina Laboratory Services, Illumina
Classification: Likely benign for Progressive external ophthalmoplegia with mitochondrial DNA deletions, autosomal dominant 3. Last evaluated: 2018-01-12. Review status: criteria provided, single submitter. Criteria: ICSL Variant Classification Criteria 13 December 2019. Collection method: clinical testing. Allele origin: germline.
Comment: the same text as in the submission from Illumina Laboratory Services, Illumina above.

GeneDx
Classification: Uncertain significance. Last evaluated: 2017-12-11. Review status: criteria provided, single submitter. Criteria: GeneDx Variant Classification (06012015). Collection method: clinical testing. Allele origin: germline. Affected: yes.
Comment: The G19E variant in the C10orf2 gene has not been reported previously as a pathogenic variant, nor as a benign variant, to our knowledge. The G19E variant is not observed at a significant frequency in large population cohorts (Lek et al., 2016; 1000 Genomes Consortium et al., 2015; Exome Variant Server). The G19E variant is a non-conservative amino acid substitution, which is likely to impact secondary protein structure as these residues differ in polarity, charge, size and/or other properties. However, this substitution occurs at a position that is not conserved, and in silico analysis predicts this variant likely does not alter the protein structure/function. We interpret G19E as a variant of uncertain significance.